The following is an entry in ClinVar:

NM_020937.4(FANCM):c.4666A>G (p.Ile1556Val)

Gene: FANCM (FA complementation group M; plus strand). Cytogenetic location: 14q21.2.
Variant type: single nucleotide variant.
Coding change: c.4666A>G on transcript NM_020937.4 (MANE Select); coding-DNA position 4666, A replaced by G.
Protein change: p.Ile1556Val; replaces isoleucine 1556 with valine.
Molecular consequence: missense variant.
Genome position (GRCh38, 1-based): chr14:45,185,367, A>G. VCF-style: chr14-45185367-A-G. GRCh37 (hg19) VCF-style: chr14-45654570-A-G.
Other names: c.4588A>G, p.Ile1530Val (NM_001308133.2); c.4666A>G (NM_020937.3); short protein forms I1530V, I1556V.
Identifiers: ClinVar variation 2174292 (VCV002174292.2), dbSNP rs149654959, ClinGen allele CA7169815.

ClinVar aggregate classification (germline): Uncertain significance. Review status: criteria provided, multiple submitters, no conflicts (2 of 4 stars). 2 submissions from 2 submitters: Uncertain significance (2). Last evaluated 2025-01-16.

Conditions:
Fanconi anemia (FA). Also called: Fanconi's anemia. Identifiers: Orphanet 84, MedGen C0015625, MeSH D005199, MONDO:0019391.

Allele frequency attached by ClinVar (database versions not stated): gnomAD exomes 0.00001; TOPMed 0.00001; ExAC 0.00005; ESP Exome Variant Server 0.00008.
gnomAD v4.1: 20 of 1,571,048 alleles (0.0013%); highest among the groups gnomAD compares: Non-Finnish European, 0.0016%; no homozygotes.

Submissions (2):

Quest Diagnostics Nichols Institute San Juan Capistrano
Classification: Uncertain significance. Last evaluated: 2025-01-16. Review status: criteria provided, single submitter. Criteria: Quest Diagnostics criteria. Collection method: clinical testing. Allele origin: unknown.
Comment: The FANCM c.4666A>G (p.Ile1556Val) variant has been detected in the published literature in individuals with breast cancer as well as in reportedly heathy individuals (PMIDs: 33471991 (2021) and 36707629 (2023), see also LOVD).The frequency of this variant in the general population (Genome Aggregation Database) is uninformative in the assessment of its pathogenicity. Analysis of this variant using bioinformatics tools for the prediction of the effect of amino acid changes on protein structure and function yielded predictions that this variant is benign. Based on the available information, we are unable to determine the clinical significance of this variant.

Labcorp Genetics (formerly Invitae), Labcorp
Classification: Uncertain significance for Fanconi anemia. Last evaluated: 2022-08-16. Review status: criteria provided, single submitter. Criteria: Invitae Variant Classification Sherloc (09022015). Collection method: clinical testing. Allele origin: germline.
Comment: This sequence change replaces isoleucine, which is neutral and non-polar, with valine, which is neutral and non-polar, at codon 1556 of the FANCM protein (p.Ile1556Val). This variant is present in population databases (rs149654959, gnomAD 0.008%). This variant has not been reported in the literature in individuals affected with FANCM-related conditions. Algorithms developed to predict the effect of missense changes on protein structure and function output the following: SIFT: "Tolerated"; PolyPhen-2: "Benign"; Align-GVGD: "Class C0". The valine amino acid residue is found in multiple mammalian species, which suggests that this missense change does not adversely affect protein function. In summary, the available evidence is currently insufficient to determine the role of this variant in disease. Therefore, it has been classified as a Variant of Uncertain Significance.

Literature cited by the submitters: PubMed 36707629 (cited by Quest Diagnostics Nichols Institute San Juan Capistrano); PubMed 31537801 (cited by Quest Diagnostics Nichols Institute San Juan Capistrano); PubMed 33471991 (cited by Quest Diagnostics Nichols Institute San Juan Capistrano).